The following is an entry in ClinVar:

ClinVar aggregate classification (germline): Likely pathogenic (1 of 4 stars; one submission).

Conditions:
Intellectual developmental disorder, X-linked 106. Also called: Intellectual disability, X-linked 106; Mental retardation, X-linked 106. Identifiers: MedGen C4478379, MONDO:0030907, OMIM 300997.

Submission:

Victorian Clinical Genetics Services, Murdoch Childrens Research Institute
Classification: Likely pathogenic for Intellectual developmental disorder, X-linked 106. Last evaluated: 2026-05-17. Review status: criteria provided, single submitter. Criteria: ACMG Guidelines, 2015. Collection method: clinical testing. Allele origin: germline. Affected: yes.
Comment: This variant is classified as Likely pathogenic. Evidence in support of pathogenic classification: Variant is absent from gnomAD (v2, v3 and v4); Missense variant in a region that is highly intolerant to missense variation (high constraint region in DECIPHER); Missense variant predicted to be damaging by in silico tool(s) or highly conserved with a major amino acid change; Additional information: Variant is predicted to result in a missense amino acid change from Arg to Leu; This variant is hemizygous; This gene is associated with X-linked disease. Heterozygous females may be affected or unaffected, dependent on X-inactivation (PMID: 31296563); This variant has no previous evidence of pathogenicity; No published evidence of segregation with disease has been identified for this variant; No published functional evidence has been identified for this variant; No comparable missense variants have previous evidence for pathogenicity; Loss of function is a known mechanism of disease in this gene and is associated with intellectual developmental disorder, X-linked 106 (MIM#300997).

Literature cited by the submitters: PubMed 31296563.

NM_181672.3(OGT):c.89G>T (p.Arg30Leu)

Gene: OGT (O-linked N-acetylglucosamine (GlcNAc) transferase; plus strand). Cytogenetic location: Xq13.1.
Variant type: single nucleotide variant.
Coding change: c.89G>T on transcript NM_181672.3 (MANE Select); coding-DNA position 89, G replaced by T.
Protein change: p.Arg30Leu; replaces arginine 30 with leucine.
Molecular consequence: missense variant.
Genome position (GRCh38, 1-based): chrX:71,536,229, G>T. VCF-style: chrX-71536229-G-T. GRCh37 (hg19) VCF-style: chrX-70756079-G-T.
Other names: c.59G>T, p.Arg20Leu (NM_181673.3); short protein forms R20L, R30L.
Identifiers: ClinVar variation 4879782 (VCV004879782.1).